The following is an entry in ClinVar:

NM_001035.3(RYR2):c.13081G>C (p.Glu4361Gln)

Genes: RYR2 (ryanodine receptor 2; plus strand), LOC126806068 (BRD4-independent group 4 enhancer GRCh37_chr1:237947411-237948610; plus strand). Cytogenetic location: 1q43.
Variant type: single nucleotide variant.
Coding change: c.13081G>C on transcript NM_001035.3 (MANE Select); coding-DNA position 13081, G replaced by C.
Protein change: p.Glu4361Gln; replaces glutamic acid 4361 with glutamine.
Molecular consequence: missense variant.
Genome position (GRCh38, 1-based): chr1:237,784,793, G>C. VCF-style: chr1-237784793-G-C. GRCh37 (hg19) VCF-style: chr1-237948093-G-C.
Other names: short protein forms E4361Q.
Identifiers: ClinVar variation 2496724 (VCV002496724.7), dbSNP rs794728795, ClinGen allele CA345415219.

ClinVar aggregate classification (germline): Uncertain significance. Review status: criteria provided, multiple submitters, no conflicts (2 of 4 stars). 3 submissions from 3 submitters: Uncertain significance (3). Last evaluated 2025-11-20.

Conditions:
Catecholaminergic polymorphic ventricular tachycardia 1. Also called: VENTRICULAR TACHYCARDIA, CATECHOLAMINERGIC POLYMORPHIC, 1, WITH OR WITHOUT ATRIAL DYSFUNCTION AND/OR DILATED CARDIOMYOPATHY; RYR2-Related Catecholaminergic Polymorphic Ventricular Tachycardia; VENTRICULAR TACHYCARDIA, STRESS-INDUCED POLYMORPHIC 1. Identifiers: Orphanet 3286, MedGen C1631597, MONDO:0011484, OMIM 604772.
Cardiovascular phenotype. Identifiers: MedGen CN230736.
Cardiomyopathy (CMYO). Also called: Cardiomyopathies. Identifiers: Orphanet 167848, MedGen C0878544, MONDO:0004994, HP:0001638. Inheritance: Various modes of inheritance.

Submissions (3):

Labcorp Genetics (formerly Invitae), Labcorp
Classification: Uncertain significance for Catecholaminergic polymorphic ventricular tachycardia 1. Last evaluated: 2025-11-20. Review status: criteria provided, single submitter. Criteria: Invitae Variant Classification Sherloc (09022015). Collection method: clinical testing. Allele origin: germline.
Comment: This sequence change replaces glutamic acid, which is acidic and polar, with glutamine, which is neutral and polar, at codon 4361 of the RYR2 protein (p.Glu4361Gln). This variant is not present in population databases (gnomAD no frequency). This missense change has been observed in individual(s) with clinical features of RYR2-related conditions (PMID: 22584458). ClinVar contains an entry for this variant (Variation ID: 2496724). Invitae Evidence Modeling of protein sequence and biophysical properties (such as structural, functional, and spatial information, amino acid conservation, physicochemical variation, residue mobility, and thermodynamic stability) indicates that this missense variant is not expected to disrupt RYR2 protein function with a negative predictive value of 95%. In summary, the available evidence is currently insufficient to determine the role of this variant in disease. Therefore, it has been classified as a Variant of Uncertain Significance.

Color Diagnostics, LLC DBA Color Health
Classification: Uncertain significance for Cardiomyopathy. Last evaluated: 2025-09-09. Review status: criteria provided, single submitter. Criteria: ACMG Guidelines, 2015. Collection method: clinical testing. Allele origin: germline.
Comment: This missense variant replaces glutamic acid with glutamine at codon 4361 of the RYR2 protein. Computational prediction suggests that this variant may not impact protein structure and function. To our knowledge, functional studies have not been reported for this variant. This variant has not been reported in individuals affected with RYR2-related disorders in the literature. This variant has not been identified in the general population by the Genome Aggregation Database (gnomAD). The available evidence is insufficient to determine the role of this variant in disease conclusively. Therefore, this variant is classified as a Variant of Uncertain Significance.

Ambry Genetics
Classification: Uncertain significance for Cardiovascular phenotype. Last evaluated: 2025-08-05. Review status: criteria provided, single submitter. Criteria: Ambry Variant Classification Scheme 2023. Collection method: clinical testing. Allele origin: germline.
Comment: The p.E4361Q variant (also known as c.13081G>C), located in coding exon 90 of the RYR2 gene, results from a G to C substitution at nucleotide position 13081. The glutamic acid at codon 4361 is replaced by glutamine, an amino acid with highly similar properties. This alteration has been reported in a drug-induced torsades de pointes cohort (Ramirez AH et al. Pharmacogenomics J, 2013 Aug;13:325-9). This amino acid position is well conserved in available vertebrate species. In addition, the in silico prediction for this alteration is inconclusive. Based on the available evidence, the clinical significance of this variant remains unclear.

Literature cited by the submitters: PubMed 22584458 (cited by Labcorp Genetics (formerly Invitae), Labcorp and Ambry Genetics).